The following is an entry in ClinVar:

ClinVar aggregate classification (germline): Uncertain significance (1 of 4 stars; one submission).

Submission:

GeneDx
Classification: Uncertain significance. Last evaluated: 2024-05-31. Review status: criteria provided, single submitter. Criteria: GeneDx Variant Classification Process June 2021. Collection method: clinical testing. Allele origin: germline. Affected: yes.
Comment: Canonical splice site variant in a gene for which loss-of-function is not an established mechanism of disease; Not observed at significant frequency in large population cohorts (gnomAD); Has not been previously published as pathogenic or benign to our knowledge

NM_000827.4(GRIA1):c.2023-2A>C

Gene: GRIA1 (glutamate ionotropic receptor AMPA type subunit 1; plus strand). Cytogenetic location: 5q33.2.
Variant type: single nucleotide variant.
Coding change: c.2023-2A>C on transcript NM_000827.4 (MANE Select); the canonical splice acceptor site of the intron before coding-DNA position 2023, A replaced by C.
Molecular consequence: splice acceptor variant.
Genome position (GRCh38, 1-based): chr5:153,770,166, A>C. VCF-style: chr5-153770166-A-C. GRCh37 (hg19) VCF-style: chr5-153149726-A-C.
Other names: c.2050-2A>C (NM_001364166.2); c.1816-2A>C (NM_001364167.2, NM_001258023.1); c.1738-2A>C (NM_001258020.2); c.2023-2A>C (NM_001114183.2); c.1855-2A>C (NM_001364165.2); c.1783-2A>C (NM_001258019.2); c.2053-2A>C (NM_001258021.2, NM_001258022.2).
Identifiers: ClinVar variation 3390688 (VCV003390688.1).